The following is an entry in ClinVar:

ClinVar aggregate classification (germline): Uncertain significance (1 of 4 stars; one submission).

gnomAD v4.1: 3 of 1,613,982 alleles (0.00019%); highest among the groups gnomAD compares: Non-Finnish European, 0.00025%; no homozygotes.

Submission:

GeneDx
Classification: Uncertain significance. Last evaluated: 2025-01-16. Review status: criteria provided, single submitter. Criteria: GeneDx Variant Classification Process June 2021. Collection method: clinical testing. Allele origin: germline. Affected: yes.
Comment: Identified in a patient with short stature in the published literature (PMID: 38087044); Not observed at significant frequency in large population cohorts (gnomAD); In silico analysis supports that this missense variant has a deleterious effect on protein structure/function; This variant is associated with the following publications: (PMID: 38087044)

NM_005445.4(SMC3):c.1825A>G (p.Met609Val)

Gene: SMC3 (structural maintenance of chromosomes 3; plus strand). Cytogenetic location: 10q25.2.
Variant type: single nucleotide variant.
Coding change: c.1825A>G on transcript NM_005445.4 (MANE Select); coding-DNA position 1825, A replaced by G.
Protein change: p.Met609Val; replaces methionine 609 with valine.
Molecular consequence: missense variant.
Genome position (GRCh38, 1-based): chr10:110,593,085, A>G. VCF-style: chr10-110593085-A-G. GRCh37 (hg19) VCF-style: chr10-112352843-A-G.
Other names: short protein forms M609V.
Identifiers: ClinVar variation 4070828 (VCV004070828.1).